The following is an entry in ClinVar:

ClinVar aggregate classification (germline): Benign/Likely benign. Review status: criteria provided, multiple submitters, no conflicts (2 of 4 stars). 5 submissions from 5 submitters: Benign (1); Likely benign (4). Last evaluated 2026-05-18.

Conditions:
Hereditary cancer-predisposing syndrome. Also called: Hereditary neoplastic syndrome; Neoplastic Syndromes, Hereditary; Hereditary Cancer Syndrome; Tumor predisposition. Identifiers: Orphanet 140162, MedGen C0027672, MeSH D009386, MONDO:0015356.
Cardiovascular phenotype. Identifiers: MedGen CN230736.
Neurofibromatosis, type 1 (NF1). Also called: Peripheral type neurofibromatosis; Neurofibromatosis, type I; VON RECKLINGHAUSEN DISEASE; NEUROFIBROMATOSIS, TYPE I, SOMATIC. Identifiers: Orphanet 636, MedGen C0027831, MONDO:0018975, OMIM 162200. Disease mechanism: loss of function.

Allele frequency attached by ClinVar (database versions not stated): TOPMed 0.00002; gnomAD exomes below 0.00001.
gnomAD v4.1: 4 of 1,613,964 alleles (0.00025%); highest among the groups gnomAD compares: Admixed American, 0.0033%; no homozygotes.

Submissions (5):

Myriad Genetics, Inc.
Classification: Benign for Neurofibromatosis, type 1. Last evaluated: 2026-05-18. Review status: criteria provided, single submitter. Criteria: Myriad Autosomal Dominant, Autosomal Recessive and X-Linked Classification Criteria (2023). Collection method: clinical testing. Allele origin: unknown.
Comment: This variant is considered benign. This variant is a silent/synonymous amino acid change and it is not expected to impact splicing.

Labcorp Genetics (formerly Invitae), Labcorp
Classification: Likely benign for Neurofibromatosis, type 1. Last evaluated: 2025-10-06. Review status: criteria provided, single submitter. Criteria: Invitae Variant Classification Sherloc (09022015). Collection method: clinical testing. Allele origin: germline.

Genome-Nilou Lab
Classification: Likely benign for Neurofibromatosis, type 1. Last evaluated: 2022-03-15. Review status: criteria provided, single submitter. Criteria: ACMG Guidelines, 2015. Collection method: clinical testing. Allele origin: germline. Affected: no.

Sema4
Classification: Likely benign for Hereditary cancer-predisposing syndrome. Last evaluated: 2021-08-11. Review status: criteria provided, single submitter. Criteria: Sema4 Curation Guidelines. Collection method: curation. Allele origin: germline.

Ambry Genetics
Classification: Likely benign for Cardiovascular phenotype; Hereditary cancer-predisposing syndrome. Last evaluated: 2017-07-03. Review status: criteria provided, single submitter. Criteria: Ambry Variant Classification Scheme 2023. Collection method: clinical testing. Allele origin: germline.

NM_001042492.3(NF1):c.2769A>G (p.Leu923=)

Gene: NF1 (neurofibromin 1; plus strand). Cytogenetic location: 17q11.2.
Variant type: single nucleotide variant.
Coding change: c.2769A>G on transcript NM_001042492.3 (MANE Select); coding-DNA position 2769, A replaced by G.
Protein change: p.Leu923=; no amino-acid change (leucine 923 retained).
Molecular consequence: synonymous variant.
Genome position (GRCh38, 1-based): chr17:31,229,384, A>G. VCF-style: chr17-31229384-A-G. GRCh37 (hg19) VCF-style: chr17-29556402-A-G.
Other names: c.2769A>G, p.Leu923= (NM_000267.4).
Identifiers: ClinVar variation 480217 (VCV000480217.16), dbSNP rs1450651152, ClinGen allele CA499228804.